The following is an entry in ClinVar:

NM_005228.5(EGFR):c.3023A>G (p.Asp1008Gly)

Gene: EGFR (epidermal growth factor receptor; plus strand). Cytogenetic location: 7p11.2.
Variant type: single nucleotide variant.
Coding change: c.3023A>G on transcript NM_005228.5 (MANE Select); coding-DNA position 3023, A replaced by G.
Protein change: p.Asp1008Gly; replaces aspartic acid 1008 with glycine.
Molecular consequence: missense variant.
Genome position (GRCh38, 1-based): chr7:55,201,264, A>G. VCF-style: chr7-55201264-A-G. GRCh37 (hg19) VCF-style: chr7-55268957-A-G.
Other names: c.2888A>G, p.Asp963Gly (NM_001346897.2, NM_001346899.2); c.3023A>G, p.Asp1008Gly (NM_001346898.2); c.2864A>G, p.Asp955Gly (NM_001346900.2); c.2222A>G, p.Asp741Gly (NM_001346941.2); short protein forms D741G, D1008G, D955G, D963G.
Identifiers: ClinVar variation 941109 (VCV000941109.10), dbSNP rs1487738928, ClinGen allele CA367582506.
Genomic context (GRCh38, chr7:55,201,264, plus strand): 5'-ATTTGCCAAGTCCTACAGACTCCAACTTCTACCGTGCCCTGATGGATGAAGAAGACATGG[A>G]CGACGTGGTGGATGCCGACGAGTACCTCATCCCACAGCAGGGCTTCTTCAGCAGCCCCTC-3'
Protein context (NP_005219.2, residues 998-1018): YRALMDEEDM[Asp1008Gly]DVVDADEYLI

ClinVar aggregate classification (germline): Uncertain significance. Review status: criteria provided, multiple submitters, no conflicts (2 of 4 stars). 2 submissions from 2 submitters: Uncertain significance (2). Last evaluated 2025-03-09.

Conditions:
Hereditary cancer-predisposing syndrome. Also called: Hereditary neoplastic syndrome; Neoplastic Syndromes, Hereditary; Tumor predisposition; Hereditary Cancer Syndrome. Identifiers: Orphanet 140162, MedGen C0027672, MeSH D009386, MONDO:0015356.
EGFR-related lung cancer (EGFR). Identifiers: MedGen CN130014.

Allele frequency attached by ClinVar (database versions not stated): gnomAD exomes below 0.00001.
gnomAD v4.1: 2 of 1,614,164 alleles (0.00012%); highest among the groups gnomAD compares: Non-Finnish European, 0.00017%; no homozygotes.

Submissions (2):

Labcorp Genetics (formerly Invitae), Labcorp
Classification: Uncertain significance for EGFR-related lung cancer. Last evaluated: 2025-03-09. Review status: criteria provided, single submitter. Criteria: Invitae Variant Classification Sherloc (09022015). Collection method: clinical testing. Allele origin: germline.
Comment: This sequence change replaces aspartic acid, which is acidic and polar, with glycine, which is neutral and non-polar, at codon 1008 of the EGFR protein (p.Asp1008Gly). This variant is present in population databases (no rsID available, gnomAD 0.0009%). This variant has not been reported in the literature in individuals affected with EGFR-related conditions. ClinVar contains an entry for this variant (Variation ID: 941109). Invitae Evidence Modeling of protein sequence and biophysical properties (such as structural, functional, and spatial information, amino acid conservation, physicochemical variation, residue mobility, and thermodynamic stability) indicates that this missense variant is not expected to disrupt EGFR protein function with a negative predictive value of 80%. In summary, the available evidence is currently insufficient to determine the role of this variant in disease. Therefore, it has been classified as a Variant of Uncertain Significance.

Ambry Genetics
Classification: Uncertain significance for Hereditary cancer-predisposing syndrome. Last evaluated: 2025-01-13. Review status: criteria provided, single submitter. Criteria: Ambry Variant Classification Scheme 2023. Collection method: clinical testing. Allele origin: germline.
Comment: The p.D1008G variant (also known as c.3023A>G), located in coding exon 25 of the EGFR gene, results from an A to G substitution at nucleotide position 3023. The aspartic acid at codon 1008 is replaced by glycine, an amino acid with similar properties. This amino acid position is conserved. In addition, this alteration is predicted to be tolerated by in silico analysis. Based on the available evidence, the clinical significance of this variant remains unclear.